The following is an entry in ClinVar:

ClinVar aggregate classification (germline): Uncertain significance. Review status: criteria provided, multiple submitters, no conflicts (2 of 4 stars). 4 submissions from 2 submitters: Uncertain significance (4). Last evaluated 2023-03-08.

Conditions:
Arrhythmogenic right ventricular dysplasia 2. Identifiers: MedGen C1832931.
Left ventricular noncompaction. Identifiers: Orphanet 54260, MedGen C1960469, MONDO:0018901, HP:0030682.
Catecholaminergic polymorphic ventricular tachycardia 1. Also called: RYR2-Related Catecholaminergic Polymorphic Ventricular Tachycardia; VENTRICULAR TACHYCARDIA, CATECHOLAMINERGIC POLYMORPHIC, 1, WITH OR WITHOUT ATRIAL DYSFUNCTION AND/OR DILATED CARDIOMYOPATHY; VENTRICULAR TACHYCARDIA, STRESS-INDUCED POLYMORPHIC 1. Identifiers: Orphanet 3286, MedGen C1631597, MONDO:0011484, OMIM 604772.

gnomAD v4.1: 15 of 1,612,418 alleles (0.00093%); highest among the groups gnomAD compares: Non-Finnish European, 0.0013%; no homozygotes.

Submissions (4):

Labcorp Genetics (formerly Invitae), Labcorp
Classification: Uncertain significance for Catecholaminergic polymorphic ventricular tachycardia 1. Last evaluated: 2023-03-08. Review status: criteria provided, single submitter. Criteria: Invitae Variant Classification Sherloc (09022015). Collection method: clinical testing. Allele origin: germline.
Comment: In summary, the available evidence is currently insufficient to determine the role of this variant in disease. Therefore, it has been classified as a Variant of Uncertain Significance. Advanced modeling of protein sequence and biophysical properties (such as structural, functional, and spatial information, amino acid conservation, physicochemical variation, residue mobility, and thermodynamic stability) performed at Invitae indicates that this missense variant is not expected to disrupt RYR2 protein function. ClinVar contains an entry for this variant (Variation ID: 488158). This variant has not been reported in the literature in individuals affected with RYR2-related conditions. This variant is not present in population databases (gnomAD no frequency). This sequence change replaces glycine, which is neutral and non-polar, with alanine, which is neutral and non-polar, at codon 4471 of the RYR2 protein (p.Gly4471Ala).

Phosphorus, Inc.
Classification: Uncertain significance for Catecholaminergic polymorphic ventricular tachycardia 1. Last evaluated: 2017-08-01. Review status: criteria provided, single submitter. Criteria: ACMG Guidelines, 2015. Collection method: clinical testing. Allele origin: germline. Observed: 1 variant allele.

Phosphorus, Inc.
Classification: Uncertain significance for Catecholaminergic polymorphic ventricular tachycardia 1. Last evaluated: 2017-08-01. Review status: criteria provided, single submitter. Criteria: ACMG Guidelines, 2015. Collection method: clinical testing. Allele origin: germline. Observed: 1 variant allele.

Phosphorus, Inc.
Classification: Uncertain significance for Left ventricular noncompaction. Last evaluated: 2017-08-01. Review status: criteria provided, single submitter. Criteria: ACMG Guidelines, 2015. Collection method: clinical testing. Allele origin: germline. Observed: 1 variant allele.

NM_001035.3(RYR2):c.13412G>C (p.Gly4471Ala)

Gene: RYR2 (ryanodine receptor 2; plus strand). Cytogenetic location: 1q43.
Variant type: single nucleotide variant.
Coding change: c.13412G>C on transcript NM_001035.3 (MANE Select); coding-DNA position 13412, G replaced by C.
Protein change: p.Gly4471Ala; replaces glycine 4471 with alanine.
Molecular consequence: missense variant.
Genome position (GRCh38, 1-based): chr1:237,788,071, G>C. VCF-style: chr1-237788071-G-C. GRCh37 (hg19) VCF-style: chr1-237951371-G-C.
Other names: c.13412G>C, p.Gly4471Ala (LRG_402t1); short protein forms G4471A.
Identifiers: ClinVar variation 488158 (VCV000488158.11), dbSNP rs1553325274, ClinGen allele CA345416539.